The following is an entry in ClinVar:

NM_004187.5(KDM5C):c.1604A>G (p.Tyr535Cys)

Gene: KDM5C (lysine demethylase 5C; minus strand). Cytogenetic location: Xp11.22.
Variant type: single nucleotide variant.
Coding change: c.1604A>G on transcript NM_004187.5 (MANE Select); coding-DNA position 1604, A replaced by G.
Protein change: p.Tyr535Cys; replaces tyrosine 535 with cysteine.
Molecular consequence: missense variant. On other transcripts: non-coding transcript variant (3).
Genome position (GRCh38, 1-based): chrX:53,210,556, T>C on the plus strand (A>G on the coding strand, the complement: KDM5C is on the minus strand). VCF-style: chrX-53210556-T-C. GRCh37 (hg19) VCF-style: chrX-53239738-T-C.
Other names: c.1403A>G, p.Tyr468Cys (NM_001146702.2); c.1601A>G, p.Tyr534Cys (NM_001282622.3, NM_001353979.2, NM_001353982.2); c.1604A>G, p.Tyr535Cys (NM_001353978.3, NM_001353981.2, NM_001353984.2); short protein forms Y468C, Y534C, Y535C.
Identifiers: ClinVar variation 2580594 (VCV002580594.1), dbSNP rs2519507210, ClinGen allele CA413127903.

ClinVar aggregate classification (germline): Likely pathogenic (1 of 4 stars; one submission).

Submission:

GeneDx
Classification: Likely pathogenic. Last evaluated: 2023-03-22. Review status: criteria provided, single submitter. Criteria: GeneDx Variant Classification Process June 2021. Collection method: clinical testing. Allele origin: germline. Affected: yes.
Comment: Not observed at significant frequency in large population cohorts (gnomAD); In silico analysis supports that this missense variant has a deleterious effect on protein structure/function; Has not been previously published as pathogenic or benign to our knowledge